The following is an entry in ClinVar:

ClinVar aggregate classification (germline): Likely benign (1 of 4 stars; one submission).

gnomAD v4.1: 209 of 1,585,366 alleles (0.013%); highest among the groups gnomAD compares: African/African-American, 0.091%; 28 homozygotes.

Submission:

CeGaT Center for Human Genetics Tuebingen
Classification: Likely benign. Last evaluated: 2025-11-01. Review status: criteria provided, single submitter. Criteria: CeGaT Center For Human Genetics Tuebingen Variant Classification Criteria Version 2. Collection method: clinical testing. Allele origin: germline. Affected: yes. Observed: 1 variant allele.
Comment: AHNAK2: BP4, BP7, BS2

NM_138420.4(AHNAK2):c.5376C>T (p.Asp1792=)

Gene: AHNAK2 (AHNAK nucleoprotein 2; minus strand). Cytogenetic location: 14q32.33.
Variant type: single nucleotide variant.
Coding change: c.5376C>T on transcript NM_138420.4 (MANE Select); coding-DNA position 5376, C replaced by T.
Protein change: p.Asp1792=; no amino-acid change (aspartic acid 1792 retained).
Molecular consequence: synonymous variant.
Genome position (GRCh38, 1-based): chr14:104,950,075, G>A on the plus strand (C>T on the coding strand, the complement: AHNAK2 is on the minus strand). VCF-style: chr14-104950075-G-A. GRCh37 (hg19) VCF-style: chr14-105416412-G-A.
Other names: c.5076C>T, p.Asp1692= (NM_001350929.2).
Identifiers: ClinVar variation 4533617 (VCV004533617.6).